The following is an entry in ClinVar:

NM_018896.5(CACNA1G):c.1795C>T (p.Pro599Ser)

Gene: CACNA1G (calcium voltage-gated channel subunit alpha1 G; plus strand). Cytogenetic location: 17q21.33.
Variant type: single nucleotide variant.
Coding change: c.1795C>T on transcript NM_018896.5 (MANE Select); coding-DNA position 1795, C replaced by T.
Protein change: p.Pro599Ser; replaces proline 599 with serine.
Molecular consequence: missense variant. On other transcripts: non-coding transcript variant (5).
Genome position (GRCh38, 1-based): chr17:50,576,197, C>T. VCF-style: chr17-50576197-C-T. GRCh37 (hg19) VCF-style: chr17-48653558-C-T.
Other names: c.1795C>T, p.Pro599Ser (NM_001256324.2, NM_001256325.2, NM_001256326.2 and 24 more transcripts); short protein forms P599S.
Identifiers: ClinVar variation 1954763 (VCV001954763.5), dbSNP rs201894362, ClinGen allele CA8652243.
Genomic context (GRCh38, chr17:50,576,197, plus strand): 5'-GCATCCGGCAGGACTGTGGGCAGCGGGAAGGTGTATCCCACCGTGCACACCAGCCCTCCA[C>T]CGGAGACGCTGAAGGAGAAGGCACTAGTAGAGGTGGCTGCCAGCTCTGGGCCCCCAACCC-3'
Protein context (NP_061496.2, residues 589-609): VYPTVHTSPP[Pro599Ser]ETLKEKALVE

ClinVar aggregate classification (germline): Uncertain significance (1 of 4 stars; one submission).

Allele frequency attached by ClinVar (database versions not stated): TOPMed below 0.00001.
gnomAD v4.1: 4 of 1,609,736 alleles (0.00025%); highest among the groups gnomAD compares: South Asian, 0.0011%; no homozygotes.

Submission:

Labcorp Genetics (formerly Invitae), Labcorp
Classification: Uncertain significance. Last evaluated: 2022-06-10. Review status: criteria provided, single submitter. Criteria: Invitae Variant Classification Sherloc (09022015). Collection method: clinical testing. Allele origin: germline.
Comment: In summary, the available evidence is currently insufficient to determine the role of this variant in disease. Therefore, it has been classified as a Variant of Uncertain Significance. Advanced modeling of protein sequence and biophysical properties (such as structural, functional, and spatial information, amino acid conservation, physicochemical variation, residue mobility, and thermodynamic stability) performed at Invitae indicates that this missense variant is not expected to disrupt CACNA1G protein function. This variant has not been reported in the literature in individuals affected with CACNA1G-related conditions. The frequency data for this variant in the population databases is considered unreliable, as metrics indicate poor data quality at this position in the gnomAD database. This sequence change replaces proline, which is neutral and non-polar, with serine, which is neutral and polar, at codon 599 of the CACNA1G protein (p.Pro599Ser).